The following is an entry in ClinVar:

NM_025114.4(CEP290):c.4183C>T (p.Gln1395Ter)

Gene: CEP290 (centrosomal protein 290; minus strand). Cytogenetic location: 12q21.32.
Variant type: single nucleotide variant.
Coding change: c.4183C>T on transcript NM_025114.4 (MANE Select); coding-DNA position 4183, C replaced by T.
Protein change: p.Gln1395Ter; replaces glutamine 1395 with a stop codon.
Molecular consequence: nonsense.
Genome position (GRCh38, 1-based): chr12:88,087,791, G>A on the plus strand (C>T on the coding strand, the complement: CEP290 is on the minus strand). VCF-style: chr12-88087791-G-A. GRCh37 (hg19) VCF-style: chr12-88481568-G-A.
Other names: short protein forms Q1395*.
Identifiers: ClinVar variation 4816214 (VCV004816214.1).

ClinVar aggregate classification (germline): Likely pathogenic (1 of 4 stars; one submission).

Conditions:
Leber congenital amaurosis (LCA). Also called: Leber's amaurosis. Identifiers: Orphanet 65, MedGen C0339527, MeSH D057130, MONDO:0018998.

Submission:

Natera, Inc.
Classification: Likely pathogenic for Leber congenital amaurosis. Last evaluated: 2024-03-28. Review status: criteria provided, single submitter. Criteria: Natera Variant Classification Schema (03/2026). Collection method: clinical testing. Allele origin: germline.
Comment: The c.4183C>T variant in CEP290 is a nonsense variant predicted to introduce a stop codon at amino acid 1395. This variant is expected to result in nonsense mediated decay, truncation, or a dysfunctional protein product. This variant is rare in the general population with a frequency below the threshold expected for the associated phenotype(s). Given the available evidence, this variant is classified as Likely Pathogenic.